The following is an entry in ClinVar:

ClinVar aggregate classification (germline): Likely pathogenic (3 of 4 stars; one submission).

Conditions:
Monogenic diabetes. Identifiers: Orphanet 183625, MedGen C3888631, MONDO:0015967.

Submission:

ClinGen Monogenic Diabetes Variant Curation Expert Panel
Classification: Likely pathogenic for Monogenic diabetes. Last evaluated: 2024-05-09. Review status: reviewed by expert panel. Criteria: ClinGen Diabetes ACMG Specifications HNF4A V2.0.0. Collection method: curation. Allele origin: germline. Inheritance: Autosomal dominant inheritance.
Comment: The c.553G>A variant in the hepatocyte nuclear factor 4-alpha gene, HNF4A, causes an amino acid change of alanine to threonine at codon 185 (p.(Ala185Thr)) of NM_175914.5. This variant is located in the ligand binding domain (codons 180-220) of HNF4A, which is defined as critical for the protein's function by the ClinGen MDEP (PM1_Supporting). This variant has a REVEL score of 0.605, which is between the ClinGen MDEP thresholds for BP4 and PP3, predicting neither a damaging nor benign impact on HNF4A function. This variant is absent in gnomAD v2.1.1 (PM2_Supporting), and was identified in two unrelated individuals with non-autoimmune and non-absolute/near-absolute insulin-deficient diabetes; however, PS4_Moderate cannot be applied because this number is below the ClinGen MDEP threshold (internal lab contributors). Additionally, this variant segregated with diabetes, with at four informative meioses in one family (PP1_Moderate; internal lab contributor). In summary, c.553G>A meets the criteria to be classified as likely pathogenic for monogenic diabetes. ACMG/AMP criteria applied, as specified by the ClinGen MDEP (specification version 2.0.0, approved 10/11/2023): PP1_Moderate, PP4_Moderate, PM1_Supporting, PM2_Supporting.

NM_175914.5(HNF4A):c.553G>A (p.Ala185Thr)

Gene: HNF4A (hepatocyte nuclear factor 4 alpha; plus strand). Cytogenetic location: 20q13.12.
Variant type: single nucleotide variant.
Coding change: c.553G>A on transcript NM_175914.5 (MANE Select); coding-DNA position 553, G replaced by A.
Protein change: p.Ala185Thr; replaces alanine 185 with threonine.
Molecular consequence: missense variant.
Genome position (GRCh38, 1-based): chr20:44,414,633, G>A. VCF-style: chr20-44414633-G-A. GRCh37 (hg19) VCF-style: chr20-43043273-G-A.
Other names: NM_175914.5:c.553G>A; c.619G>A, p.Ala207Thr (NM_000457.6, NM_178849.3, NM_178850.3); c.553G>A, p.Ala185Thr (NM_001030003.3, NM_001030004.3); c.598G>A, p.Ala200Thr (NM_001258355.2); c.544G>A, p.Ala182Thr (NM_001287182.2, NM_001287183.2, NM_001287184.2); short protein forms A182T, A185T, A200T, A207T.
Identifiers: ClinVar variation 3238968 (VCV003238968.1), dbSNP rs193922474.